The following is an entry in ClinVar:

ClinVar aggregate classification (germline): Likely benign. Review status: criteria provided, single submitter (1 of 4 stars). 2 submissions from 2 submitters: Likely benign (1). 1 of the submissions does not count toward it. Last evaluated 2022-05-25.

Conditions:
Inborn genetic diseases. Identifiers: MedGen C0950123, MeSH D030342.
MAP1B-related disorder. Also called: MAP1B-related condition.

Allele frequency attached by ClinVar (database versions not stated): gnomAD 0.00004; ExAC 0.00006; TOPMed 0.00008.
gnomAD v4.1: 38 of 1,614,068 alleles (0.0024%); highest among the groups gnomAD compares: East Asian, 0.042%; 1 homozygote.

Submissions (2):

Ambry Genetics
Classification: Likely benign for Inborn genetic diseases. Last evaluated: 2022-05-25. Review status: criteria provided, single submitter. Criteria: Ambry Variant Classification Scheme 2023. Collection method: clinical testing. Allele origin: germline.

PreventionGenetics, part of Exact Sciences
Classification: Likely benign for MAP1B-related condition. Last evaluated: 2023-07-11. Review status: no assertion criteria provided. Collection method: clinical testing. Allele origin: germline. Not counted in ClinVar's aggregate classification.
Comment: This variant is classified as likely benign based on ACMG/AMP sequence variant interpretation guidelines (Richards et al. 2015 PMID: 25741868, with internal and published modifications).

NM_005909.5(MAP1B):c.5009C>G (p.Pro1670Arg)

Gene: MAP1B (microtubule associated protein 1B; plus strand). Cytogenetic location: 5q13.2.
Variant type: single nucleotide variant.
Coding change: c.5009C>G on transcript NM_005909.5 (MANE Select); coding-DNA position 5009, C replaced by G.
Protein change: p.Pro1670Arg; replaces proline 1670 with arginine.
Molecular consequence: missense variant.
Genome position (GRCh38, 1-based): chr5:72,198,364, C>G. VCF-style: chr5-72198364-C-G. GRCh37 (hg19) VCF-style: chr5-71494191-C-G.
Other names: c.4631C>G, p.Pro1544Arg (NM_001324255.2); c.5009C>G (NM_005909.4); short protein forms P1544R, P1670R.
Identifiers: ClinVar variation 2328785 (VCV002328785.4), dbSNP rs376881954, ClinGen allele CA3299239.